The following is an entry in ClinVar:

ClinVar aggregate classification (germline): Likely benign (1 of 4 stars; one submission).

Allele frequency attached by ClinVar (database versions not stated): 1000 Genomes Project 30x 0.00016; gnomAD 0.00034; ExAC 0.00094.
gnomAD v4.1: 348 of 565,916 alleles (0.061%); highest among the groups gnomAD compares: Middle Eastern, 0.14%; no homozygotes.

Submission:

CeGaT Center for Human Genetics Tuebingen
Classification: Likely benign. Last evaluated: 2026-08-01. Review status: criteria provided, single submitter. Criteria: CeGaT Center For Human Genetics Tuebingen Variant Classification Criteria Version 2. Collection method: clinical testing. Allele origin: germline. Affected: yes. Observed: 2 variant alleles.
Comment: PHF2: BP4, BP7

NM_005392.4(PHF2):c.2976C>A (p.Thr992=)

Gene: PHF2 (PHD finger protein 2; plus strand). Cytogenetic location: 9q22.31.
Variant type: single nucleotide variant.
Coding change: c.2976C>A on transcript NM_005392.4 (MANE Select); coding-DNA position 2976, C replaced by A.
Protein change: p.Thr992=; no amino-acid change (threonine 992 retained).
Molecular consequence: synonymous variant.
Genome position (GRCh38, 1-based): chr9:93,676,737, C>A. VCF-style: chr9-93676737-C-A. GRCh37 (hg19) VCF-style: chr9-96439019-C-A.
Identifiers: ClinVar variation 2659316 (VCV002659316.24), dbSNP rs10992856, ClinGen allele CA5133180.
Genomic context (GRCh38, chr9:93,676,737, plus strand): 5'-CTCTGCCGGCACCACCTCCACCTCCACCACGCCAGCCTCTACCACCCCGGCCTCCACCAC[C>A]CCGGCCTCCACCAGCACGGCCAGCAGCCAGGCCTCGCAGGAGGGCAGCTCGCCAGAGCCC-3'
Protein context (NP_005383.3, residues 982-1002): TPASTTPAST[Thr992=]PASTSTASSQ